The following is an entry in ClinVar:

ClinVar aggregate classification (germline): Uncertain significance. Review status: criteria provided, multiple submitters, no conflicts (2 of 4 stars). 2 submissions from 2 submitters: Uncertain significance (2). Last evaluated 2022-05-11.

Conditions:
Nephronophthisis 15 (NPHP15). Identifiers: Orphanet 3156, MedGen C3541853, MONDO:0013917, OMIM 614845.

Submissions (2):

GeneDx
Classification: Uncertain significance. Last evaluated: 2022-05-11. Review status: criteria provided, single submitter. Criteria: GeneDx Variant Classification Process June 2021. Collection method: clinical testing. Allele origin: germline. Affected: yes.
Comment: Not observed at significant frequency in large population cohorts (gnomAD); In silico analysis supports that this missense variant has a deleterious effect on protein structure/function; Has not been previously published as pathogenic or benign to our knowledge

Labcorp Genetics (formerly Invitae), Labcorp
Classification: Uncertain significance for Nephronophthisis 15. Last evaluated: 2021-10-27. Review status: criteria provided, single submitter. Criteria: Invitae Variant Classification Sherloc (09022015). Collection method: clinical testing. Allele origin: germline.
Comment: This variant is not present in population databases (gnomAD no frequency). This sequence change replaces arginine, which is basic and polar, with glycine, which is neutral and non-polar, at codon 1418 of the CEP164 protein (p.Arg1418Gly). This variant has not been reported in the literature in individuals affected with CEP164-related conditions. Algorithms developed to predict the effect of missense changes on protein structure and function are either unavailable or do not agree on the potential impact of this missense change (SIFT: "Deleterious"; PolyPhen-2: "Benign"; Align-GVGD: "Class C45"). In summary, the available evidence is currently insufficient to determine the role of this variant in disease. Therefore, it has been classified as a Variant of Uncertain Significance.

NM_014956.5(CEP164):c.4252A>G (p.Arg1418Gly)

Gene: CEP164 (centrosomal protein 164; plus strand). Cytogenetic location: 11q23.3.
Variant type: single nucleotide variant.
Coding change: c.4252A>G on transcript NM_014956.5 (MANE Select); coding-DNA position 4252, A replaced by G.
Protein change: p.Arg1418Gly; replaces arginine 1418 with glycine.
Molecular consequence: missense variant.
Genome position (GRCh38, 1-based): chr11:117,411,883, A>G. VCF-style: chr11-117411883-A-G. GRCh37 (hg19) VCF-style: chr11-117282599-A-G.
Other names: c.4237A>G, p.Arg1413Gly (NM_001271933.2); short protein forms R1413G, R1418G.
Identifiers: ClinVar variation 1402107 (VCV001402107.6), dbSNP rs2137001261, ClinGen allele CA382746204.
Genomic context (GRCh38, chr11:117,411,883, plus strand): 5'-CATTCGCAAGTCCCTGAGGCGGGCAGCACCACCTTTCAGGGCATAATTGAGGCCAACCGG[A>G]GGTGGCTGGAACGTGTCAAGAATGACCCCAGGTTGTATCCTTTTACCTGGTTCCCAAACT-3'
Protein context (NP_055771.4, residues 1408-1428): TFQGIIEANR[Arg1418Gly]WLERVKNDPR